The following is an entry in ClinVar:

ClinVar aggregate classification (germline): Pathogenic (1 of 4 stars; one submission).

Conditions:
Long QT syndrome (LQTS). Identifiers: MedGen C0023976, MeSH D008133, MONDO:0002442. Disease mechanism: loss of function. Inheritance: Various modes of inheritance.

Submission:

Labcorp Genetics (formerly Invitae), Labcorp
Classification: Pathogenic for Long QT syndrome. Last evaluated: 2026-01-26. Review status: criteria provided, single submitter. Criteria: Invitae Variant Classification Sherloc (09022015). Collection method: clinical testing. Allele origin: germline.
Comment: This sequence change creates a premature translational stop signal (p.His509Glyfs*28) in the KCNQ1 gene. It is expected to result in an absent or disrupted protein product. Loss-of-function variants in KCNQ1 are known to be pathogenic (PMID: 9323054, 19862833). This variant is not present in population databases (gnomAD no frequency). This variant has not been reported in the literature in individuals affected with KCNQ1-related conditions. ClinVar contains an entry for this variant (Variation ID: 2009452). For these reasons, this variant has been classified as Pathogenic.

Literature cited by the submitters: PubMed 9323054; PubMed 19862833.

NM_000218.3(KCNQ1):c.1525_1544del (p.His509fs)

Gene: KCNQ1 (potassium voltage-gated channel subfamily Q member 1; plus strand). Cytogenetic location: 11p15.5.
Variant type: Deletion.
Coding change: c.1525_1544del on transcript NM_000218.3 (MANE Select); coding-DNA positions 1525 to 1544, 20 bases deleted (CACCATCGGGCCACCATTAA).
Protein change: p.His509fs; shifts the reading frame from histidine 509.
Molecular consequence: frameshift variant.
Genome position (GRCh38, 1-based): chr11:2,768,854-2,768,873, CACCATCGGGCCACCATTAA deleted; deleting any 20 consecutive bases within chr11:2,768,852-2,768,873 gives the same sequence; the c. name uses the placement nearest the transcript's 3' end. VCF-style (leftmost placement, unchanged base first): chr11-2768851-GAACACCATCGGGCCACCATT-G. GRCh37 (hg19) VCF-style: chr11-2790081-GAACACCATCGGGCCACCATT-G.
Other names: c.1429_1448del20, p.His477Glyfs (NM_001406836.1); c.1255_1274del20, p.His419Glyfs (NM_001406837.1); c.985_1004del20, p.His329Glyfs (NM_001406838.1); c.1144_1163del20, p.His382Glyfs (NM_181798.2); short protein forms H509fs, H382fs.
Identifiers: ClinVar variation 2009452 (VCV002009452.4), dbSNP rs2494120123, ClinGen allele CA2580082627.